The following is an entry in ClinVar:

ClinVar aggregate classification (germline): Uncertain significance. Review status: criteria provided, multiple submitters, no conflicts (2 of 4 stars). 2 submissions from 2 submitters: Uncertain significance (2). Last evaluated 2025-11-22.

gnomAD v4.1: 335 of 1,534,126 alleles (0.022%); highest among the groups gnomAD compares: African/African-American, 0.29%; no homozygotes.

Submissions (2):

GeneDx
Classification: Uncertain significance. Last evaluated: 2025-11-22. Review status: criteria provided, single submitter. Criteria: GeneDx Variant Classification Process June 2021. Collection method: clinical testing. Allele origin: germline.
Comment: In silico analysis supports that this missense variant has a deleterious effect on protein structure/function; Has not been previously published as pathogenic or benign to our knowledge

Blueprint Genetics
Classification: Uncertain significance. Last evaluated: 2024-11-11. Review status: criteria provided, single submitter. Criteria: ACMG Guidelines, 2015. Collection method: clinical testing. Allele origin: germline.

NM_005632.3(CAPN15):c.1282C>T (p.Arg428Trp)

Gene: CAPN15 (calpain 15; plus strand). Cytogenetic location: 16p13.3.
Variant type: single nucleotide variant.
Coding change: c.1282C>T on transcript NM_005632.3 (MANE Select); coding-DNA position 1282, C replaced by T.
Protein change: p.Arg428Trp; replaces arginine 428 with tryptophan.
Molecular consequence: missense variant.
Genome position (GRCh38, 1-based): chr16:548,120, C>T. VCF-style: chr16-548120-C-T. GRCh37 (hg19) VCF-style: chr16-598120-C-T.
Other names: short protein forms R428W.
Identifiers: ClinVar variation 3368900 (VCV003368900.2).
Genomic context (GRCh38, chr16:548,120, plus strand): 5'-GTCCTGCCCGAGCGCCCGGGCCAGTGGGCCTGCCCTGCCTGTACCCTGCTCAACGCACTG[C>T]GGGCCAAGCACTGCGCCGCCTGCCACACGCCTCAGCTCCTGGTGGCCCAGCGGCGGGGGG-3'
Protein context (NP_005623.1, residues 418-438): CPACTLLNAL[Arg428Trp]AKHCAACHTP